The following is an entry in ClinVar:

ClinVar aggregate classification (germline): Conflicting classifications of pathogenicity. Review status: criteria provided, conflicting classifications (1 of 4 stars). 8 submissions from 8 submitters: Uncertain significance (2); Likely benign (4). 2 of the submissions do not count toward it. Last evaluated 2026-04-15.

Conditions:
Sterile multifocal osteomyelitis with periostitis and pustulosis. Also called: CHRONIC RECURRENT MULTIFOCAL OSTEOMYELITIS 2, WITH PERIOSTITIS AND PUSTULOSIS. Identifiers: Orphanet 210115, MedGen C2748507, MONDO:0013021, OMIM 612852.

Allele frequency attached by ClinVar (database versions not stated): ESP Exome Variant Server 0.00008; gnomAD exomes 0.00008 and 0.00010; gnomAD 0.00011; ExAC 0.00012; TOPMed 0.00013; 1000 Genomes Project 30x 0.00016; 1000 Genomes Project 0.00020.

Submissions (8):

Women's Health and Genetics/Laboratory Corporation of America, LabCorp
Classification: Uncertain significance. Last evaluated: 2026-04-15. Review status: criteria provided, single submitter. Criteria: LabCorp Variant Classification Summary - May 2015. Collection method: clinical testing. Allele origin: germline.
Comment: Variant summary: IL1RN c.538G>A (p.Glu180Lys) results in a conservative amino acid change in the encoded protein sequence. Algorithms developed to predict the effect of missense changes on protein structure and function all suggest that this variant is likely to be tolerated. The variant allele was found at a frequency of 9.6e-05 in 251268 control chromosomes. This frequency is not significantly higher than estimated for disease-causing variants in IL1RN, allowing no conclusion about variant significance. To our knowledge, no occurrence of c.538G>A in individuals affected with IL1RN-related conditions and no experimental evidence demonstrating its impact on protein function have been reported. ClinVar contains an entry for this variant (Variation ID: 330829). Based on the evidence outlined above, the variant was classified as uncertain significance.

Labcorp Genetics (formerly Invitae), Labcorp
Classification: Likely benign for Sterile multifocal osteomyelitis with periostitis and pustulosis. Last evaluated: 2026-02-01. Review status: criteria provided, single submitter. Criteria: Invitae Variant Classification Sherloc (09022015). Collection method: clinical testing. Allele origin: germline.

Mayo Clinic Laboratories, Mayo Clinic
Classification: Likely benign. Last evaluated: 2025-09-03. Review status: criteria provided, single submitter. Criteria: ACMG Guidelines, 2015. Collection method: clinical testing. Allele origin: germline. Observed: 4 variant alleles.
Comment: BP1, BP4_strong

CeGaT Center for Human Genetics Tuebingen
Classification: Likely benign. Last evaluated: 2023-01-01. Review status: criteria provided, single submitter. Criteria: CeGaT Center For Human Genetics Tuebingen Variant Classification Criteria Version 2. Collection method: clinical testing. Allele origin: germline. Affected: yes. Observed: 1 variant allele.
Comment: IL1RN: BP4

Dubai Health Genomic Medicine Center, Dubai Health
Classification: Likely benign. Last evaluated: 2020-07-15. Review status: criteria provided, single submitter. Criteria: ACMG Guidelines, 2015. Collection method: clinical testing. Allele origin: germline. Affected: yes.

Illumina Laboratory Services, Illumina
Classification: Uncertain significance for Sterile multifocal osteomyelitis with periostitis and pustulosis. Last evaluated: 2018-01-12. Review status: criteria provided, single submitter. Criteria: ICSL Variant Classification Criteria 13 December 2019. Collection method: clinical testing. Allele origin: germline.

Clinical Genetics DNA and cytogenetics Diagnostics Lab, Erasmus MC, Erasmus Medical Center
Classification: Likely benign. Review status: no assertion criteria provided. Collection method: clinical testing. Allele origin: germline. Affected: yes. Study: VKGL Data-share Consensus. Not counted in ClinVar's aggregate classification.

Genome Diagnostics Laboratory, University Medical Center Utrecht
Classification: Likely benign. Review status: no assertion criteria provided. Collection method: clinical testing. Allele origin: germline. Affected: yes. Study: VKGL Data-share Consensus. Not counted in ClinVar's aggregate classification.

NM_173842.3(IL1RN):c.529G>A (p.Glu177Lys)

Gene: IL1RN (interleukin 1 receptor antagonist; plus strand). Cytogenetic location: 2q14.1.
Variant type: single nucleotide variant.
Coding change: c.529G>A on transcript NM_173842.3 (MANE Select); coding-DNA position 529, G replaced by A.
Protein change: p.Glu177Lys; replaces glutamic acid 177 with lysine.
Molecular consequence: missense variant.
Genome position (GRCh38, 1-based): chr2:113,132,866, G>A. VCF-style: chr2-113132866-G-A. GRCh37 (hg19) VCF-style: chr2-113890443-G-A.
Other names: p.Glu177Lys; c.475G>A, p.Glu159Lys (NM_000577.5); c.427G>A, p.Glu143Lys (NM_001318914.2, NM_001379360.1, NM_173843.3); c.538G>A, p.Glu180Lys (NM_173841.3); short protein forms E180K, E143K, E159K, E177K.
Identifiers: ClinVar variation 330829 (VCV000330829.46), dbSNP rs114929884, ClinGen allele CA1838924.